The following is an entry in ClinVar:

ClinVar aggregate classification (germline): Uncertain significance (1 of 4 stars; one submission).

Conditions:
Inborn genetic diseases. Identifiers: MedGen C0950123, MeSH D030342.

gnomAD v4.1: 1 of 1,607,984 alleles (0.000062%); highest among the groups gnomAD compares: Admixed American, 0.0017%; no homozygotes.

Submission:

Ambry Genetics
Classification: Uncertain significance for Inborn genetic diseases. Last evaluated: 2025-02-15. Review status: criteria provided, single submitter. Criteria: Ambry Variant Classification Scheme 2023. Collection method: clinical testing. Allele origin: germline.
Comment: The p.S12R variant (also known as c.36C>G), located in coding exon 1 of the USB1 gene, results from a C to G substitution at nucleotide position 36. The serine at codon 12 is replaced by arginine, an amino acid with dissimilar properties. This amino acid position is conserved. In addition, this alteration is predicted to be tolerated by in silico analysis. Based on the available evidence, the clinical significance of this variant remains unclear.

NM_024598.4(USB1):c.36C>G (p.Ser12Arg)

Genes: USB1 (U6 snRNA biogenesis phosphodiesterase 1; plus strand), LOC112469011 (Sharpr-MPRA regulatory region 3942; plus strand). Cytogenetic location: 16q21.
Variant type: single nucleotide variant.
Coding change: c.36C>G on transcript NM_024598.4 (MANE Select); coding-DNA position 36, C replaced by G.
Protein change: p.Ser12Arg; replaces serine 12 with arginine.
Molecular consequence: missense variant. On other transcripts: intron variant (1).
Genome position (GRCh38, 1-based): chr16:58,001,519, C>G. VCF-style: chr16-58001519-C-G. GRCh37 (hg19) VCF-style: chr16-58035423-C-G.
Other names: c.36C>G, p.Ser12Arg (NM_001195302.2, NM_001204911.2, NM_001330569.2); c.-55-960C>G (NM_001330568.2); short protein forms S12R.
Identifiers: ClinVar variation 3466499 (VCV003466499.2).